The following is an entry in ClinVar:

NM_002454.3(MTRR):c.701dup (p.Leu235fs)

Gene: MTRR (5-methyltetrahydrofolate-homocysteine methyltransferase reductase; plus strand). Cytogenetic location: 5p15.31.
Variant type: Duplication.
Coding change: c.701dup on transcript NM_002454.3 (MANE Select); coding-DNA position 701, one base duplicated (C; older notation c.701dupC).
Protein change: p.Leu235fs; shifts the reading frame from leucine 235.
Molecular consequence: frameshift variant. On other transcripts: non-coding transcript variant (14).
Genome position (GRCh38, 1-based): chr5:7,878,243, C duplicated; the last of 5 consecutive C bases (chr5:7,878,239-7,878,243); duplicating any one gives the same sequence. VCF-style (leftmost placement, unchanged base first): chr5-7878238-A-AC. GRCh37 (hg19) VCF-style: chr5-7878351-A-AC.
Other names: c.701dup, p.Leu235fs (NM_001364440.2, NM_001364441.2, NM_001364442.2 and 1 more transcripts); short protein forms L235fs.
Identifiers: ClinVar variation 2676882 (VCV002676882.3), dbSNP rs767610650, ClinGen allele CA3195669.

ClinVar aggregate classification (germline): Pathogenic/Likely pathogenic. Review status: criteria provided, multiple submitters, no conflicts (2 of 4 stars). 2 submissions from 2 submitters: Pathogenic (1); Likely pathogenic (1). Last evaluated 2024-02-22.

Conditions:
Methylcobalamin deficiency type cblE (HMAE). Also called: HOMOCYSTINURIA-MEGALOBLASTIC ANEMIA, cblE COMPLEMENTATION TYPE; VITAMIN B12-RESPONSIVE HOMOCYSTINURIA, cblE TYPE; HOMOCYSTINURIA-MEGALOBLASTIC ANEMIA, cblE TYPE. Identifiers: Orphanet 2169, Orphanet 622, MedGen C1856057, MONDO:0009354, OMIM 236270.
Neural tube defects, folate-sensitive (NTDFS). Also called: NTD, FOLATE-SENSITIVE. Identifiers: Orphanet 823, MedGen C1866558, MONDO:0011120, OMIM 601634.

Submissions (2):

Labcorp Genetics (formerly Invitae), Labcorp
Classification: Pathogenic for Methylcobalamin deficiency type cblE. Last evaluated: 2024-02-22. Review status: criteria provided, single submitter. Criteria: Invitae Variant Classification Sherloc (09022015). Collection method: clinical testing. Allele origin: germline.
Comment: This sequence change creates a premature translational stop signal (p.Leu235Thrfs*54) in the MTRR gene. It is expected to result in an absent or disrupted protein product. Loss-of-function variants in MTRR are known to be pathogenic (PMID: 15714522). This variant is present in population databases (rs767610650, gnomAD 0.007%). This variant has not been reported in the literature in individuals affected with MTRR-related conditions. For these reasons, this variant has been classified as Pathogenic.

Baylor Genetics
Classification: Likely pathogenic for Neural tube defects, folate-sensitive. Last evaluated: 2022-08-03. Review status: criteria provided, single submitter. Criteria: ACMG Guidelines, 2015. Collection method: clinical testing. Allele origin: unknown.

Literature cited by the submitters: PubMed 15714522 (cited by Labcorp Genetics (formerly Invitae), Labcorp).